The following is an entry in ClinVar:

ClinVar aggregate classification (germline): Pathogenic/Likely pathogenic. Review status: criteria provided, multiple submitters, no conflicts (2 of 4 stars). 2 submissions from 2 submitters: Pathogenic (1); Likely pathogenic (1). Last evaluated 2025-09-17.

Conditions:
Intellectual disability-severe speech delay-mild dysmorphism syndrome (IDDLA). Also called: Intellectual developmental disorder with language impairment AND with or without autistic features; Mental retardation with language impairment and autistic features; FOXP1 Syndrome. Identifiers: Orphanet 391372, MedGen C4013764, MONDO:0013352, OMIM 613670.

Submissions (2):

GeneDx
Classification: Pathogenic. Last evaluated: 2025-09-17. Review status: criteria provided, single submitter. Criteria: GeneDx Variant Classification Process June 2021. Collection method: clinical testing. Allele origin: germline.
Comment: Not observed at significant frequency in large population cohorts (gnomAD); In silico analysis supports that this missense variant has a deleterious effect on protein structure/function; This variant is associated with the following publications: (PMID: 34109629)

Institute of Human Genetics, University of Leipzig Medical Center
Classification: Likely pathogenic for Intellectual disability-severe speech delay-mild dysmorphism syndrome. Last evaluated: 2025-03-04. Review status: criteria provided, single submitter. Criteria: ACMG Guidelines, 2015. Collection method: clinical testing. Allele origin: unknown. Inheritance: Autosomal dominant inheritance. Affected: yes.
Comment: Criteria applied: PS2_MOD,PM2,PS4_SUP,PP3

NM_001349338.3(FOXP1):c.1490G>C (p.Arg497Pro)

Genes: FOXP1 (forkhead box P1; minus strand), LOC126806714 (BRD4-independent group 4 enhancer GRCh37_chr3:71025197-71026396; plus strand). Cytogenetic location: 3p13.
Variant type: single nucleotide variant.
Coding change: c.1490G>C on transcript NM_001349338.3 (MANE Select); coding-DNA position 1490, G replaced by C.
Protein change: p.Arg497Pro; replaces arginine 497 with proline.
Molecular consequence: missense variant. On other transcripts: non-coding transcript variant (2).
Genome position (GRCh38, 1-based): chr3:70,976,981, C>G on the plus strand (G>C on the coding strand, the complement: FOXP1 is on the minus strand). VCF-style: chr3-70976981-C-G. GRCh37 (hg19) VCF-style: chr3-71026132-C-G.
Other names: c.1487G>C, p.Arg496Pro (NM_001244808.3, NM_001349341.3); c.1490G>C, p.Arg497Pro (NM_001244810.2, NM_001244814.3, NM_001244816.2 and 2 more transcripts); c.1262G>C, p.Arg421Pro (NM_001244812.3); c.1190G>C, p.Arg397Pro (NM_001244813.3, NM_001244815.2, NM_001349342.3); c.1187G>C, p.Arg396Pro (NM_001349337.2, NM_001349343.3, NM_001349344.3 and 1 more transcripts); short protein forms R396P, R397P, R421P, R496P, R497P.
Identifiers: ClinVar variation 3381418 (VCV003381418.3).
Genomic context (GRCh38, chr3:70,976,981, plus strand): 5'-ACAGGCCTGAGAAAGCTTACCTTCCACGTGGCCGCGTTGCGTCGGAAGTAAGCAAACATT[C>G]GTGTGAACCAGTTATAGATCTCATTTAGTGTTAGCTGCTTTTCTGGAGATTCGAGAATGG-3'
Protein context (NP_001336267.1, residues 487-507): TLNEIYNWFT[Arg497Pro]MFAYFRRNAA